The following is an entry in ClinVar:

NM_000071.3(CBS):c.699C>T (p.Tyr233=)

Gene: CBS (cystathionine beta-synthase; minus strand). Cytogenetic location: 21q22.3.
Variant type: single nucleotide variant.
Coding change: c.699C>T on transcript NM_000071.3 (MANE Select); coding-DNA position 699, C replaced by T.
Protein change: p.Tyr233=; no amino-acid change (tyrosine 233 retained).
Molecular consequence: synonymous variant.
Genome position (GRCh38, 1-based): chr21:43,065,240, G>A on the plus strand (C>T on the coding strand, the complement: CBS is on the minus strand). VCF-style: chr21-43065240-G-A. GRCh37 (hg19) VCF-style: chr21-44485350-G-A.
Other names: p.Y233Y:TAC>TAT; p.Tyr233=; c.699C>T, p.Tyr233= (NM_001178008.3, NM_001178009.3, NM_001320298.2); c.384C>T, p.Tyr128= (NM_001321072.1).
Identifiers: ClinVar variation 92426 (VCV000092426.53), dbSNP rs234706, ClinGen allele CA285310.
Genomic context (GRCh38, chr21:43,065,240, plus strand): 5'-TCAAGATGGACAGAGGGACGCACCATCACACTGCTGCAGGATCTCATCAGCGGTGGTGTC[G>A]TAGTGAGCCAGGGGGTTGCTGGCGTTGCGGTACTGCATAGAAAGAGAGCAGAGCCCGTGA-3'
Protein context (NP_000062.1, residues 223-243): YRNASNPLAH[Tyr233=]DTTADEILQQ

ClinVar aggregate classification (germline): Benign/Likely benign. Review status: criteria provided, multiple submitters, no conflicts (2 of 4 stars). 19 submissions from 19 submitters: Benign (13); Likely benign (1). 5 of the submissions do not count toward it. Last evaluated 2026-02-04.

Conditions:
Connective tissue disorder. Also called: Connective tissue disease. Identifiers: MedGen C0009782, MONDO:0003900.
Familial thoracic aortic aneurysm and aortic dissection (TAAD). Also called: Thoracic aortic aneurysms and dissections. Identifiers: Orphanet 91387, MedGen C4707243, MONDO:0019625.
Classic homocystinuria. Also called: Homocystinuria due to Cystathionine Beta-Synthase Deficiency; HOMOCYSTINURIA WITH OR WITHOUT RESPONSE TO PYRIDOXINE; Homocystinuria due to CBS deficiency; Cystathionine beta-synthase deficiency; CBS deficiency. Identifiers: Orphanet 394, MedGen C0751202, MONDO:0009352, OMIM 236200.
HYPERHOMOCYSTEINEMIA, THROMBOTIC, CBS-RELATED. Identifiers: MedGen C3150344, OMIM 236200.

Allele frequency attached by ClinVar (database versions not stated): 1000 Genomes Project 0.19649; gnomAD exomes 0.27351; ExAC 0.27633; gnomAD 0.28613; ESP Exome Variant Server 0.30609.

Submissions (19):

Labcorp Genetics (formerly Invitae), Labcorp
Classification: Benign for HYPERHOMOCYSTEINEMIA, THROMBOTIC, CBS-RELATED. Last evaluated: 2026-02-04. Review status: criteria provided, single submitter. Criteria: Invitae Variant Classification Sherloc (09022015). Collection method: clinical testing. Allele origin: germline.

ARUP Laboratories, Molecular Genetics and Genomics, ARUP Laboratories
Classification: Benign. Last evaluated: 2025-07-29. Review status: criteria provided, single submitter. Criteria: ARUP Molecular Germline Variant Investigation Process 2024. Collection method: clinical testing. Allele origin: germline.

Molecular Diagnostic Laboratory for Inherited Cardiovascular Disease, Montreal Heart Institute
Classification: Benign. Last evaluated: 2025-04-09. Review status: criteria provided, single submitter. Criteria: ACMG Guidelines, 2015. Collection method: clinical testing. Allele origin: germline. Affected: no.

Blueprint Genetics
Classification: Likely benign. Last evaluated: 2024-11-28. Review status: criteria provided, single submitter. Criteria: ACMG Guidelines, 2015. Collection method: clinical testing. Allele origin: germline.

Mayo Clinic Laboratories, Mayo Clinic
Classification: Benign. Last evaluated: 2022-07-26. Review status: criteria provided, single submitter. Criteria: ACMG Guidelines, 2015. Collection method: clinical testing. Allele origin: germline. Observed: 939 variant alleles.
Comment: BA1, BP4, BP7

Genome Diagnostics Laboratory, The Hospital for Sick Children
Classification: Benign for Connective tissue disorder. Last evaluated: 2022-07-18. Review status: criteria provided, single submitter. Criteria: ACMG Guidelines, 2015. Collection method: clinical testing. Allele origin: germline.

Genome-Nilou Lab
Classification: Benign for Classic homocystinuria. Last evaluated: 2021-07-14. Review status: criteria provided, single submitter. Criteria: ACMG Guidelines, 2015. Collection method: clinical testing. Allele origin: germline. Affected: no.

Illumina Laboratory Services, Illumina
Classification: Benign for Classic homocystinuria. Last evaluated: 2018-03-06. Review status: criteria provided, single submitter. Criteria: ICSL Variant Classification Criteria 13 December 2019. Collection method: clinical testing. Allele origin: germline.
Comment: This variant was observed in the ICSL laboratory as part of a predisposition screen in an ostensibly healthy population. It had not been previously curated by ICSL or reported in the Human Gene Mutation Database (HGMD: prior to June 1st, 2018), and was therefore a candidate for classification through an automated scoring system. Utilizing variant allele frequency, disease prevalence and penetrance estimates, and inheritance mode, an automated score was calculated to assess if this variant is too frequent to cause the disease. Based on the score and internal cut-off values, a variant classified as benign is not then subjected to further curation. The score for this variant resulted in a classification of benign for this disease.

Laboratory for Molecular Medicine, Mass General Brigham Personalized Medicine
Classification: Benign. Last evaluated: 2014-12-02. Review status: criteria provided, single submitter. Criteria: LMM Criteria. Collection method: clinical testing. Allele origin: germline. Observed: 10 variant alleles.
Comment: p.Tyr233Tyr in exon 8 of CBS: This variant is not expected to have clinical sign ificance because it does not alter an amino acid residue and is not located with in the splice consensus sequence. It has been identified in 34% (2960/8600) of E uropean American chromosomes and 23% (1021/4406) of African American chromosomes by the NHLBI Exome Sequencing Project (dbSNP rs234706).

Ambry Genetics
Classification: Benign for Familial thoracic aortic aneurysm and aortic dissection. Last evaluated: 2014-11-24. Review status: criteria provided, single submitter. Criteria: Ambry Variant Classification Scheme 2023. Collection method: clinical testing. Allele origin: germline.

Eurofins Ntd Llc (ga)
Classification: Benign. Last evaluated: 2014-03-12. Review status: criteria provided, single submitter. Criteria: EGL Classification Definitions 2015. Collection method: clinical testing. Allele origin: germline. Observed: 30 variant alleles, 17 heterozygotes, 13 homozygotes.

GeneDx
Classification: Benign. Last evaluated: 2013-08-13. Review status: criteria provided, single submitter. Criteria: GeneDx Variant Classification (06012015). Collection method: clinical testing. Allele origin: germline. Affected: yes.
Comment: This variant is considered likely benign or benign based on one or more of the following criteria: it is a conservative change, it occurs at a poorly conserved position in the protein, it is predicted to be benign by multiple in silico algorithms, and/or has population frequency not consistent with disease.

Breakthrough Genomics
Classification: Benign. Review status: criteria provided, single submitter. Criteria: ACMG Guidelines, 2015. Collection method: not provided. Allele origin: germline. Inheritance: Autosomal recessive inheritance. Affected: yes.

PreventionGenetics, part of Exact Sciences
Classification: Benign. Review status: criteria provided, single submitter. Criteria: ACMG Guidelines, 2015. Collection method: clinical testing. Allele origin: germline.

Natera, Inc.
Classification: Benign for Homocystinuria due to cystathionine beta-synthase deficiency. Last evaluated: 2020-09-16. Review status: no assertion criteria provided. Collection method: clinical testing. Allele origin: germline. Not counted in ClinVar's aggregate classification.

Genome Diagnostics Laboratory, Amsterdam University Medical Center
Classification: Benign for Classic homocystinuria. Last evaluated: 2016-12-05. Review status: no assertion criteria provided. Criteria: ACGS Guidelines, 2013. Collection method: clinical testing. Allele origin: germline. Affected: yes. Study: VKGL Data-share Consensus. Not counted in ClinVar's aggregate classification.

Clinical Genetics, Academic Medical Center
Classification: Benign. Review status: no assertion criteria provided. Collection method: clinical testing. Allele origin: germline. Affected: yes. Study: VKGL Data-share Consensus. Not counted in ClinVar's aggregate classification.

Diagnostic Laboratory, Department of Genetics, University Medical Center Groningen
Classification: Benign for Classic homocystinuria. Review status: no assertion criteria provided. Collection method: clinical testing. Allele origin: germline. Affected: yes. Study: VKGL Data-share Consensus. Not counted in ClinVar's aggregate classification.

Joint Genome Diagnostic Labs from Nijmegen and Maastricht, Radboudumc and MUMC+
Classification: Benign. Review status: no assertion criteria provided. Collection method: clinical testing. Allele origin: germline. Affected: yes. Study: VKGL Data-share Consensus. Not counted in ClinVar's aggregate classification.